The following is an entry in ClinVar:

NM_004577.4(PSPH):c.673G>A (p.Glu225Lys)

Gene: PSPH (phosphoserine phosphatase; minus strand). Cytogenetic location: 7p11.2.
Variant type: single nucleotide variant.
Coding change: c.673G>A on transcript NM_004577.4 (MANE Select); coding-DNA position 673, G replaced by A.
Protein change: p.Glu225Lys; replaces glutamic acid 225 with lysine.
Molecular consequence: missense variant.
Genome position (GRCh38, 1-based): chr7:56,011,767, C>T on the plus strand (G>A on the coding strand, the complement: PSPH is on the minus strand). VCF-style: chr7-56011767-C-T. GRCh37 (hg19) VCF-style: chr7-56079460-C-T.
Other names: c.673G>A, p.Glu225Lys (NM_001370503.1, NM_001370504.1, NM_001370505.1 and 17 more transcripts); c.673G>A (NM_004577.3); short protein forms E225K.
Identifiers: ClinVar variation 1357241 (VCV001357241.23), dbSNP rs536712417, ClinGen allele CA4268580.

ClinVar aggregate classification (germline): Uncertain significance. Review status: criteria provided, multiple submitters, no conflicts (2 of 4 stars). 3 submissions from 3 submitters: Uncertain significance (3). Last evaluated 2024-10-31.

Conditions:
Inborn genetic diseases. Identifiers: MedGen C0950123, MeSH D030342.
Deficiency of phosphoserine phosphatase (PSPHD). Also called: Phosphoserine phosphatase deficiency; PSPH deficiency. Identifiers: Orphanet 79350, MedGen C1291463, MONDO:0013531, OMIM 614023.

Allele frequency attached by ClinVar (database versions not stated): TOPMed 0.00007; gnomAD 0.00009 and 0.00010; gnomAD exomes 0.00011 and 0.00012; ExAC 0.00013; 1000 Genomes Project 30x 0.00016; 1000 Genomes Project 0.00020.
gnomAD v4.1: 185 of 1,609,488 alleles (0.011%); highest among the groups gnomAD compares: Non-Finnish European, 0.014%; no homozygotes.

Submissions (3):

Labcorp Genetics (formerly Invitae), Labcorp
Classification: Uncertain significance for Deficiency of phosphoserine phosphatase. Last evaluated: 2024-10-31. Review status: criteria provided, single submitter. Criteria: Invitae Variant Classification Sherloc (09022015). Collection method: clinical testing. Allele origin: germline.
Comment: This sequence change replaces glutamic acid, which is acidic and polar, with lysine, which is basic and polar, at codon 225 of the PSPH protein (p.Glu225Lys). This variant is present in population databases (rs536712417, gnomAD 0.02%). This variant has not been reported in the literature in individuals affected with PSPH-related conditions. ClinVar contains an entry for this variant (Variation ID: 1357241). An algorithm developed to predict the effect of missense changes on protein structure and function outputs the following: PolyPhen-2: "Benign". The lysine amino acid residue is found in multiple mammalian species, which suggests that this missense change does not adversely affect protein function. Algorithms developed to predict the effect of sequence changes on RNA splicing suggest that this variant may create or strengthen a splice site. In summary, the available evidence is currently insufficient to determine the role of this variant in disease. Therefore, it has been classified as a Variant of Uncertain Significance.

CeGaT Center for Human Genetics Tuebingen
Classification: Uncertain significance. Last evaluated: 2024-07-01. Review status: criteria provided, single submitter. Criteria: CeGaT Center For Human Genetics Tuebingen Variant Classification Criteria Version 2. Collection method: clinical testing. Allele origin: germline. Affected: yes. Observed: 1 variant allele.
Comment: PSPH: PM2, BP4

Ambry Genetics
Classification: Uncertain significance for Inborn genetic diseases. Last evaluated: 2021-09-28. Review status: criteria provided, single submitter. Criteria: Ambry Variant Classification Scheme 2023. Collection method: clinical testing. Allele origin: germline.